The following is an entry in ClinVar:

ClinVar aggregate classification (germline): Likely pathogenic. Review status: criteria provided, multiple submitters, no conflicts (2 of 4 stars). 5 submissions from 5 submitters: Likely pathogenic (5). Last evaluated 2026-09-08.

Conditions:
Cardiovascular phenotype. Identifiers: MedGen CN230736.
Fabry disease. Also called: Fabry's disease; Ceramide trihexosidosis; Angiokeratoma corporis diffusum; ALPHA-GALACTOSIDASE A DEFICIENCY; ANDERSON-FABRY DISEASE; CERAMIDE TRIHEXOSIDASE DEFICIENCY. Identifiers: Orphanet 324, MedGen C0002986, MONDO:0010526, OMIM 301500, HP:0001071. Disease mechanism: Fabry disease is due to inactivating mutations in the X-linked GLA gene resulting in deficiency of the enzyme Alpha Galactosidase-A., loss of function.

Submissions (5):

Genomenon, Inc
Classification: Likely pathogenic for Fabry disease. Last evaluated: 2026-09-08. Review status: criteria provided, single submitter. Criteria: Genomenon Sequence Variant Interpretation Standards - Updated. Collection method: curation. Allele origin: germline. Affected: yes.
Comment: GLA p.Ser276Arg (c.828C>A) is a missense variant that changes the amino acid at codon 276 from Serine to Arginine. This variant has been observed in at least one proband with clinical features consistent with Fabry disease (PMID:38444573). The presence of pathogenic/likely pathogenic missense variant(s) at the same amino acid position indicates that this residue is likely important for protein function. It is absent or not present at a significant frequency in gnomAD. In silico models predict that this variant is possibly or probably damaging. In conclusion, we classify GLA p.Ser276Arg (c.828C>A) as a likely pathogenic variant.

Ambry Genetics
Classification: Likely pathogenic for Cardiovascular phenotype. Last evaluated: 2024-10-30. Review status: criteria provided, single submitter. Criteria: Ambry Variant Classification Scheme 2023. Collection method: clinical testing. Allele origin: germline.
Comment: The p.S276R variant (also known as c.828C>A), located in coding exon 6 of the GLA gene, results from a C to A substitution at nucleotide position 828. The serine at codon 276 is replaced by arginine, an amino acid with dissimilar properties. This variant was reported in an individual with features consistent with Fabry disease (Sheth J et al. JIMD Rep, 2024 Mar;65:85-101). Another variant at the same codon, p.S276G (c.826A>G), has been reported in individuals with features consistent with Fabry disease (Shabbeer J et al. Hum Genomics. 2006 Mar;2(5):297-309; Shin SH et al. Pharmacogenet Genomics. 2008 Sep;18(9):773-80; Benjamin ER et al. J Inherit Metab Dis. 2009 Jun;32(3):424-40). This variant is considered to be rare based on population cohorts in the Genome Aggregation Database (gnomAD). This amino acid position is highly conserved in available vertebrate species. In addition, this alteration is predicted to be deleterious by in silico analysis. Based on the majority of available evidence to date, this variant is likely to be pathogenic.

GeneDx
Classification: Likely pathogenic. Last evaluated: 2024-02-27. Review status: criteria provided, single submitter. Criteria: GeneDx Variant Classification Process June 2021. Collection method: clinical testing. Allele origin: germline. Affected: yes.
Comment: Not observed at significant frequency in large population cohorts (gnomAD); In silico analysis supports that this missense variant has a deleterious effect on protein structure/function; This variant is associated with the following publications: (PMID: Sheth2023[article])

Foundation for Research in Genetics and Endocrinology, FRIGE's Institute of Human Genetics
Classification: Likely pathogenic for Fabry disease. Last evaluated: 2023-02-10. Review status: criteria provided, single submitter. Criteria: ACMG Guidelines, 2015. Collection method: clinical testing. Allele origin: germline. Inheritance: X-linked recessive inheritance. Affected: yes. Observed: 1 hemizygote.
Comment: A hemizygous missense variation in exon 6 of the GLA gene that results in the amino acid substitution of Arginine for Serine at codon 276 was detected. The observed variant c.828C>A (p.Ser276Arg) has not been reported in the 1000 genomes and gnomAD databases. The in silico prediction of the variant is disease causing MutationTaster2, LRT and damaging by SIFT. In summary, the variant meets our criteria to be classified as likely pathogenic.

Labcorp Genetics (formerly Invitae), Labcorp
Classification: Likely pathogenic for Fabry disease. Last evaluated: 2021-04-08. Review status: criteria provided, single submitter. Criteria: Invitae Variant Classification Sherloc (09022015). Collection method: clinical testing. Allele origin: germline.
Comment: In summary, the currently available evidence indicates that the variant is pathogenic, but additional data are needed to prove that conclusively. Therefore, this variant has been classified as Likely Pathogenic. This variant disrupts the p.Ser276 amino acid residue in GLA. Other variant(s) that disrupt this residue have been determined to be pathogenic (PMID: 15712228, 15776423, 21598360, 25382311 26415523). This suggests that this residue is clinically significant, and that variants that disrupt this residue are likely to be disease-causing. Algorithms developed to predict the effect of missense changes on protein structure and function (SIFT, PolyPhen-2, Align-GVGD) all suggest that this variant is likely to be disruptive, but these predictions have not been confirmed by published functional studies and their clinical significance is uncertain. This variant has been observed in individual(s) with clinical features of Fabry disease (Invitae). ClinVar contains an entry for this variant (Variation ID: 524215). This variant is not present in population databases (ExAC no frequency). This sequence change replaces serine with arginine at codon 276 of the GLA protein (p.Ser276Arg). The serine residue is highly conserved and there is a moderate physicochemical difference between serine and arginine.

Literature cited by the submitters: PubMed 38444573 (cited by Genomenon, Inc and Ambry Genetics); PubMed 15712228 (cited by Labcorp Genetics (formerly Invitae), Labcorp); PubMed 15776423 (cited by Labcorp Genetics (formerly Invitae), Labcorp); PubMed 21598360 (cited by Labcorp Genetics (formerly Invitae), Labcorp); PubMed 25382311 (cited by Labcorp Genetics (formerly Invitae), Labcorp); PubMed 26415523 (cited by Labcorp Genetics (formerly Invitae), Labcorp).

NM_000169.3(GLA):c.828C>A (p.Ser276Arg)

Genes: GLA (galactosidase alpha; minus strand), RPL36A-HNRNPH2 (RPL36A-HNRNPH2 readthrough; plus strand). Cytogenetic location: Xq22.1.
Variant type: single nucleotide variant.
Coding change: c.828C>A on transcript NM_000169.3 (MANE Select); coding-DNA position 828, C replaced by A.
Protein change: p.Ser276Arg; replaces serine 276 with arginine.
Molecular consequence: missense variant. On other transcripts: non-coding transcript variant (3), intron variant (2).
Genome position (GRCh38, 1-based): chrX:101,398,541, G>T on the plus strand (C>A on the coding strand, the complement: GLA is on the minus strand). VCF-style: chrX-101398541-G-T. GRCh37 (hg19) VCF-style: chrX-100653529-G-T.
Other names: p.Ser276Arg; c.951C>A, p.Ser317Arg (NM_001406747.1); c.828C>A, p.Ser276Arg (NM_001406748.1); c.300+3084G>T (NM_001199973.2); c.177+6719G>T (NM_001199974.2); short protein forms S276R, S317R.
Identifiers: ClinVar variation 524215 (VCV000524215.13), dbSNP rs1555985010, ClinGen allele CA413923213.
Genomic context (GRCh38, chrX:101,398,541, plus strand): 5'-CATGAATAAAGGAGCAGCCATGATAGCCCAGAGGGCCATCTGAGTTACTTGCTGATTCCA[G>T]CTGAGGCCAAAGTTGCCAATCACTAACTGAGAAAAAGAATGAAATAATTCAAACAAGAGA-3'
Protein context (NP_000160.1, residues 266-286): DMLVIGNFGL[Ser276Arg]WNQQVTQMAL